The following is an entry in ClinVar:

ClinVar aggregate classification (germline): Likely pathogenic. Review status: criteria provided, single submitter (1 of 4 stars). 3 submissions from 3 submitters: Likely pathogenic (1). 2 of the submissions do not count toward it. Last evaluated 2018-10-15.

Conditions:
Short-rib thoracic dysplasia 18 with polydactyly. Identifiers: MedGen C4693420, MONDO:0036483, OMIM 617866.
Short rib-polydactyly syndrome. Identifiers: Orphanet 1505, MedGen C0036996, MONDO:0015461.

Submissions (3):

SIB Swiss Institute of Bioinformatics
Classification: Likely pathogenic for Short-rib thoracic dysplasia 18 with polydactyly. Last evaluated: 2018-10-15. Review status: criteria provided, single submitter. Criteria: ACMG Guidelines, 2015. Collection method: curation. Allele origin: unknown.
Comment: This variant is interpreted as Likely Pathogenic, for Short-rib thoracic dysplasia 18 with polydactyly, autosomal recessive. The following ACMG Tag(s) were applied: PM2 => Absent from controls (or at extremely low frequency if recessive) in Exome Sequencing Project, 1000 Genomes Project, or Exome Aggregation Consortium. PP3 => Multiple lines of computational evidence support a deleterious effect on the gene or gene product. PS3 => Well-established functional studies show a deleterious effect (PubMed 28400947).

OMIM
Classification: Pathogenic for SHORT-RIB THORACIC DYSPLASIA 18 WITH POLYDACTYLY. Last evaluated: 2018-02-05. Review status: no assertion criteria provided. Collection method: literature only. Allele origin: germline. Not counted in ClinVar's aggregate classification.

University of Washington Center for Mendelian Genomics, University of Washington
Classification: Likely pathogenic for Short Rib Polydactyly Syndrome. Last evaluated: 2017-03-30. Review status: no assertion criteria provided. Collection method: research. Allele origin: unknown. Affected: yes. Observed: 1 homozygote. Not counted in ClinVar's aggregate classification.

Literature cited by the submitters: PubMed 28400947 (cited by 3 submitters).

NM_001102564.3(IFT43):c.520T>C (p.Trp174Arg)

Gene: IFT43 (intraflagellar transport 43; plus strand). Cytogenetic location: 14q24.3.
Variant type: single nucleotide variant.
Coding change: c.520T>C on transcript NM_001102564.3 (MANE Select); coding-DNA position 520, T replaced by C.
Protein change: p.Trp174Arg; replaces tryptophan 174 with arginine.
Molecular consequence: missense variant. On other transcripts: non-coding transcript variant (2).
Genome position (GRCh38, 1-based): chr14:76,083,470, T>C. VCF-style: chr14-76083470-T-C. GRCh37 (hg19) VCF-style: chr14-76549813-T-C.
Other names: c.535T>C, p.Trp179Arg (NM_052873.3); short protein forms W179R, W174R.
Identifiers: ClinVar variation 488650 (VCV000488650.2), dbSNP rs1555369050, ClinGen allele CA390474671.